The following is an entry in ClinVar:

ClinVar aggregate classification (germline): Likely pathogenic (1 of 4 stars; one submission).

Conditions:
Wilson disease (WND). Also called: Wilson's disease. Identifiers: Orphanet 905, MedGen C0019202, MONDO:0010200, OMIM 277900. Disease mechanism: loss of function.

Submission:

Myriad Genetics, Inc.
Classification: Likely pathogenic for Wilson disease. Last evaluated: 2019-05-29. Review status: criteria provided, single submitter. Criteria: Myriad Women's Health Autosomal Recessive and X-Linked Classification Criteria (2019). Collection method: clinical testing. Allele origin: unknown.
Comment: NM_000053.3(ATP7B):c.1699G>T(E567*) is expected to be pathogenic in the context of Wilson disease. This variant is predicted to lead to an abnormal or absent protein product due to the creation of a premature termination codon in ATP7B, a gene where loss-of-function variants are known to be pathogenic. Please note: this variant was assessed in the context of healthy population screening.

NM_000053.4(ATP7B):c.1699G>T (p.Glu567Ter)

Gene: ATP7B (ATPase copper transporting beta; minus strand). Cytogenetic location: 13q14.3.
Variant type: single nucleotide variant.
Coding change: c.1699G>T on transcript NM_000053.4 (MANE Select); coding-DNA position 1699, G replaced by T.
Protein change: p.Glu567Ter; replaces glutamic acid 567 with a stop codon.
Molecular consequence: nonsense.
Genome position (GRCh38, 1-based): chr13:51,968,452, C>A on the plus strand (G>T on the coding strand, the complement: ATP7B is on the minus strand). VCF-style: chr13-51968452-C-A. GRCh37 (hg19) VCF-style: chr13-52542588-C-A.
Other names: c.1699G>T, p.Glu567Ter (NM_001005918.3, NM_001330578.2, NM_001330579.2); c.1366G>T, p.Glu456Ter (NM_001243182.2); short protein forms E456*, E567*.
Identifiers: ClinVar variation 983754 (VCV000983754.3), dbSNP rs1454088856, ClinGen allele CA388032644.